The following is an entry in ClinVar:

ClinVar aggregate classification (germline): Uncertain significance. Review status: criteria provided, multiple submitters, no conflicts (2 of 4 stars). 2 submissions from 2 submitters: Uncertain significance (2). Last evaluated 2024-12-09.

Conditions:
Inborn genetic diseases. Identifiers: MedGen C0950123, MeSH D030342.

Allele frequency attached by ClinVar (database versions not stated): gnomAD 0.00002; gnomAD exomes 0.00002; TOPMed 0.00003; 1000 Genomes Project 30x 0.00016.
gnomAD v4.1: 29 of 1,533,366 alleles (0.0019%); highest among the groups gnomAD compares: Non-Finnish European, 0.0024%; no homozygotes.

Submissions (2):

Labcorp Genetics (formerly Invitae), Labcorp
Classification: Uncertain significance. Last evaluated: 2024-12-09. Review status: criteria provided, single submitter. Criteria: Invitae Variant Classification Sherloc (09022015). Collection method: clinical testing. Allele origin: germline.
Comment: This sequence change replaces valine, which is neutral and non-polar, with phenylalanine, which is neutral and non-polar, at codon 875 of the LOXHD1 protein (p.Val875Phe). This variant is present in population databases (no rsID available, gnomAD 0.006%). This variant has not been reported in the literature in individuals affected with LOXHD1-related conditions. ClinVar contains an entry for this variant (Variation ID: 2213030). An algorithm developed to predict the effect of missense changes on protein structure and function (PolyPhen-2) suggests that this variant¬†is likely to be tolerated. In summary, the available evidence is currently insufficient to determine the role of this variant in disease. Therefore, it has been classified as a Variant of Uncertain Significance.

Ambry Genetics
Classification: Uncertain significance for Inborn genetic diseases. Last evaluated: 2021-08-02. Review status: criteria provided, single submitter. Criteria: Ambry Variant Classification Scheme 2023. Collection method: clinical testing. Allele origin: germline.

NM_001384474.1(LOXHD1):c.2623G>T (p.Val875Phe)

Gene: LOXHD1 (lipoxygenase homology PLAT domains 1; minus strand). Cytogenetic location: 18q21.1.
Variant type: single nucleotide variant.
Coding change: c.2623G>T on transcript NM_001384474.1 (MANE Select); coding-DNA position 2623, G replaced by T.
Protein change: p.Val875Phe; replaces valine 875 with phenylalanine.
Molecular consequence: missense variant.
Genome position (GRCh38, 1-based): chr18:46,560,521, C>A on the plus strand (G>T on the coding strand, the complement: LOXHD1 is on the minus strand). VCF-style: chr18-46560521-C-A. GRCh37 (hg19) VCF-style: chr18-44140484-C-A.
Other names: c.2623G>T, p.Val875Phe (NM_144612.7); short protein forms V875F.
Identifiers: ClinVar variation 2213030 (VCV002213030.3), dbSNP rs1369618636, ClinGen allele CA402371936.